The following is an entry in ClinVar:

NM_005188.4(CBL):c.1739C>T (p.Pro580Leu)

Gene: CBL (Cbl proto-oncogene; plus strand). Cytogenetic location: 11q23.3.
Variant type: single nucleotide variant.
Coding change: c.1739C>T on transcript NM_005188.4 (MANE Select); coding-DNA position 1739, C replaced by T.
Protein change: p.Pro580Leu; replaces proline 580 with leucine.
Molecular consequence: missense variant.
Genome position (GRCh38, 1-based): chr11:119,285,364, C>T. VCF-style: chr11-119285364-C-T. GRCh37 (hg19) VCF-style: chr11-119156074-C-T.
Other names: c.1739C>T (NM_005188.2); short protein forms P580L.
Identifiers: ClinVar variation 2445822 (VCV002445822.2), dbSNP rs753301731, ClinGen allele CA6318598.
Genomic context (GRCh38, chr11:119,285,364, plus strand): 5'-CTCAAAGACGCCCCTTGCCTTGTACACCAGGCGACTGTCCCTCCAGAGACAAACTGCCCC[C>T]TGTCCCCTCTAGCCGCCTTGGAGACTCATGGCTGCCCCGGCCAATCCCCAAAGTACCAGT-3'
Protein context (NP_005179.2, residues 570-590): GDCPSRDKLP[Pro580Leu]VPSSRLGDSW

ClinVar aggregate classification (germline): Uncertain significance. Review status: criteria provided, multiple submitters, no conflicts (2 of 4 stars). 2 submissions from 2 submitters: Uncertain significance (2). Last evaluated 2024-12-23.

Conditions:
Cardiovascular phenotype. Identifiers: MedGen CN230736.

Allele frequency attached by ClinVar (database versions not stated): gnomAD exomes below 0.00001; TOPMed below 0.00001; ExAC 0.00002.

Submissions (2):

Ambry Genetics
Classification: Uncertain significance for Cardiovascular phenotype. Last evaluated: 2024-12-23. Review status: criteria provided, single submitter. Criteria: Ambry Variant Classification Scheme 2023. Collection method: clinical testing. Allele origin: germline.
Comment: The p.P580L variant (also known as c.1739C>T), located in coding exon 11 of the CBL gene, results from a C to T substitution at nucleotide position 1739. The proline at codon 580 is replaced by leucine, an amino acid with similar properties. This amino acid position is conserved. In addition, the in silico prediction for this alteration is inconclusive. Based on the available evidence, the clinical significance of this variant remains unclear.

Women's Health and Genetics/Laboratory Corporation of America, LabCorp
Classification: Uncertain significance. Last evaluated: 2023-02-13. Review status: criteria provided, single submitter. Criteria: LabCorp Variant Classification Summary - May 2015. Collection method: clinical testing. Allele origin: germline.